The following is an entry in ClinVar:

NM_001844.5(COL2A1):c.686AACCTGGTG[1] (p.229EPG[1])

Gene: COL2A1 (collagen type II alpha 1 chain; minus strand). Cytogenetic location: 12q13.11.
Variant type: Microsatellite.
Coding change: c.686AACCTGGTG[1] on transcript NM_001844.5 (MANE Select); one copy of the 9-base unit AACCTGGTG starting at c.686; the reference has two copies in a row; one copy, 9 bases deleted.
Protein change: p.229EPG[1].
Molecular consequence: inframe deletion.
Genome position (GRCh38, 1-based): chr12:47,995,715-47,995,723, CACCAGGTT deleted on the plus strand (AACCTGGTG on the coding strand, the reverse complement: COL2A1 is on the minus strand); deleting any 9 consecutive bases within chr12:47,995,715-47,995,739 gives the same sequence; the position shown is the placement nearest the transcript's 3' end. VCF-style (leftmost placement, unchanged base first): chr12-47995714-ACACCAGGTT-A. GRCh37 (hg19) VCF-style: chr12-48389497-ACACCAGGTT-A.
Other names: c.479AACCTGGTG[1], p.160EPG[1] (NM_033150.3).
Identifiers: ClinVar variation 2871414 (VCV002871414.3), dbSNP rs776036012, ClinGen allele CA6535840.

ClinVar aggregate classification (germline): Likely pathogenic (1 of 4 stars; one submission).

Submission:

Labcorp Genetics (formerly Invitae), Labcorp
Classification: Likely pathogenic. Last evaluated: 2025-11-01. Review status: criteria provided, single submitter. Criteria: Invitae Variant Classification Sherloc (09022015). Collection method: clinical testing. Allele origin: germline.
Comment: This variant, c.695_703del, results in the deletion of 3 amino acid(s) of the COL2A1 protein (p.Glu232_Gly234del), but otherwise preserves the integrity of the reading frame. This variant is present in population databases (rs776036012, gnomAD 0.0009%). This variant has not been reported in the literature in individuals affected with COL2A1-related conditions. This variant disrupts the triple helix domain of COL2A1. Glycine residues within the Gly-Xaa-Yaa repeats of the triple helix domain are required for the structure and stability of fibrillar collagens (PMID: 7695699, 8218237, 19344236). In COL2A1, variants affecting these glycine residues are significantly enriched in individuals with disease (PMID: 9016532, 17078022) compared to the general population (ExAC). In summary, the currently available evidence indicates that the variant is pathogenic, but additional data are needed to prove that conclusively. Therefore, this variant has been classified as Likely Pathogenic.

Literature cited by the submitters: PubMed 7695699; PubMed 8218237; PubMed 19344236; PubMed 9016532; PubMed 17078022.